The following is an entry in ClinVar:

ClinVar aggregate classification (germline): Likely pathogenic (1 of 4 stars; one submission).

Conditions:
Gaucher disease. Also called: Acute cerebral Gaucher disease; Cerebroside lipidosis syndrome; Gaucher splenomegaly; Sphingolipidosis 1; Glucocerebrosidosis; Glucosylceramidase deficiency. Identifiers: Orphanet 355, MedGen C0017205, MONDO:0018150.

Submission:

Natera, Inc.
Classification: Likely pathogenic for Gaucher disease. Last evaluated: 2024-04-22. Review status: criteria provided, single submitter. Criteria: Natera Variant Classification Schema (03/2026). Collection method: clinical testing. Allele origin: germline.
Comment: The c.930T>A variant in GBA1 is a missense variant predicted to cause substitution of serine to arginine at amino acid 310. This variant is rare in the general population with a frequency below the threshold expected for the associated phenotype(s). This variant has been observed in one or more individuals affected with the associated recessive disease, as either homozygous or compound heterozygous with a second variant (PMID: 34440436). A different variant at the same position has been determined to be Pathogenic or Likely Pathogenic. Given the available evidence, this variant is classified as Likely Pathogenic.

Literature cited by the submitters: PubMed 34440436.

NM_000157.4(GBA1):c.930T>A (p.Ser310Arg)

Genes: GBA1 (glucosylceramidase beta 1; minus strand), LOC106627981 (GBA recombination region; plus strand). Cytogenetic location: 1q22.
Variant type: single nucleotide variant.
Coding change: c.930T>A on transcript NM_000157.4 (MANE Select); coding-DNA position 930, T replaced by A.
Protein change: p.Ser310Arg; replaces serine 310 with arginine.
Molecular consequence: missense variant.
Genome position (GRCh38, 1-based): chr1:155,237,410, A>T on the plus strand (T>A on the coding strand, the complement: GBA1 is on the minus strand). VCF-style: chr1-155237410-A-T. GRCh37 (hg19) VCF-style: chr1-155207201-A-T.
Other names: c.930T>A, p.Ser310Arg (NM_001005741.3, NM_001005742.3); c.669T>A, p.Ser223Arg (NM_001171811.2); c.783T>A, p.Ser261Arg (NM_001171812.2); short protein forms S223R, S261R, S310R.
Identifiers: ClinVar variation 4817824 (VCV004817824.1).